The following is an entry in ClinVar:

ClinVar aggregate classification (germline): Uncertain significance (1 of 4 stars; one submission).

Allele frequency attached by ClinVar (database versions not stated): gnomAD exomes 0.00001 and below 0.00001; gnomAD 0.00002; TOPMed 0.00002.
gnomAD v4.1: 8 of 1,613,936 alleles (0.0005%); highest among the groups gnomAD compares: African/African-American, 0.004%; no homozygotes.

Submission:

Labcorp Genetics (formerly Invitae), Labcorp
Classification: Uncertain significance. Last evaluated: 2022-06-20. Review status: criteria provided, single submitter. Criteria: Invitae Variant Classification Sherloc (09022015). Collection method: clinical testing. Allele origin: germline.
Comment: This sequence change replaces threonine with alanine at codon 352 of the CDH3 protein (p.Thr352Ala). The threonine residue is highly conserved and there is a small physicochemical difference between threonine and alanine. This variant is present in population databases (no rsID available, gnomAD 0.008%). This variant has not been reported in the literature in individuals affected with CDH3-related conditions. Algorithms developed to predict the effect of missense changes on protein structure and function are either unavailable or do not agree on the potential impact of this missense change (SIFT: "Not Available"; PolyPhen-2: "Benign"; Align-GVGD: "Not Available"). In summary, the available evidence is currently insufficient to determine the role of this variant in disease. Therefore, it has been classified as a Variant of Uncertain Significance.

NM_001793.6(CDH3):c.1054A>G (p.Thr352Ala)

Gene: CDH3 (cadherin 3; plus strand). Cytogenetic location: 16q22.1.
Variant type: single nucleotide variant.
Coding change: c.1054A>G on transcript NM_001793.6 (MANE Select); coding-DNA position 1054, A replaced by G.
Protein change: p.Thr352Ala; replaces threonine 352 with alanine.
Molecular consequence: missense variant.
Genome position (GRCh38, 1-based): chr16:68,682,359, A>G. VCF-style: chr16-68682359-A-G. GRCh37 (hg19) VCF-style: chr16-68716262-A-G.
Other names: c.1054A>G, p.Thr352Ala (NM_001317195.3); c.889A>G, p.Thr297Ala (NM_001317196.2); short protein forms T297A, T352A.
Identifiers: ClinVar variation 1363484 (VCV001363484.6), dbSNP rs1418283173, ClinGen allele CA396453033.